The following is an entry in ClinVar:

ClinVar aggregate classification (germline): Pathogenic. Review status: criteria provided, multiple submitters, no conflicts (2 of 4 stars). 9 submissions from 9 submitters: Pathogenic (7). 2 of the submissions do not count toward it. Last evaluated 2025-06-23.

Conditions:
FGFR1-related disorder. Also called: FGFR1-related condition; FGFR1-related disorders. Identifiers: MedGen CN380097.
Hypogonadotropic hypogonadism 2 with anosmia. Identifiers: MedGen C4016104.
Hypogonadotropic hypogonadism 2 with or without anosmia (HH2). Also called: FGFR1-Related GnRH Deficiency (Kallmann Syndrome 2); HYPOGONADOTROPIC HYPOGONADISM 2 WITHOUT ANOSMIA; HYPOGONADOTROPIC HYPOGONADISM 2 WITH OR WITHOUT ANOSMIA, SUSCEPTIBILITY TO; HYPOGONADOTROPIC HYPOGONADISM 2 WITHOUT ANOSMIA, SUSCEPTIBILITY TO. Identifiers: Orphanet 478, MedGen C1563720, MONDO:0007844, OMIM 147950. Disease mechanism: loss of function.

Allele frequency attached by ClinVar (database versions not stated): gnomAD exomes below 0.00001.
gnomAD v4.1: 1 of 1,613,998 alleles (0.000062%); highest among the groups gnomAD compares: Non-Finnish European, 0.000085%; no homozygotes.

Submissions (9):

Genetic Services Laboratory, University of Chicago
Classification: Pathogenic. Last evaluated: 2025-06-23. Review status: criteria provided, single submitter. Criteria: ACMG Guidelines, 2015. Collection method: clinical testing. Allele origin: germline.
Comment: The c.1042G>A variant: Results in an amino acid change, p.Gly348Arg. Affects a highly conserved amino acid residue located in a domain of the FGFR1 protein that is known to be functional. Appears to be deleterious using several in-silico pathogenicity prediction tools. Has been previously described in several individuals with hypogonadotropic hypogonadism/Kallmann syndrome (PMID: 20536592, 32724172, 25497574, 29419413). Is reported in the gnomAD v4 database with a frequency of 0.00006% in the global population. ClinVar contains an entry for this variant (Variation ID: 50849). Functional studies indicate that this variant has a damaging effect on protein function (PMID: 32724172). Collectively, this evidence indicates that this variant is pathogenic.

GeneDx
Classification: Pathogenic. Last evaluated: 2025-04-15. Review status: criteria provided, single submitter. Criteria: GeneDx Variant Classification Process June 2021. Collection method: clinical testing. Allele origin: germline. Affected: yes.
Comment: Published functional studies demonstrate a damaging effect through an inability to induce luciferase activity (PMID: 32724172); Not observed in large population cohorts (gnomAD); In silico analysis, which includes protein predictors and evolutionary conservation, supports a deleterious effect; This variant is associated with the following publications: (PMID: 23643382, 25394172, 20536592, 25497574, 34758253, 29419413, 36531499, 34348883, 32724172)

PreventionGenetics, part of Exact Sciences
Classification: Pathogenic for FGFR1-related condition. Last evaluated: 2024-11-21. Review status: criteria provided, single submitter. Criteria: ACMG Guidelines, 2015. Collection method: clinical testing. Allele origin: germline.
Comment: The FGFR1 c.1042G>A variant is predicted to result in the amino acid substitution p.Gly348Arg. This variant has been reported in many individuals with Kallmann syndrome and hypogonadotropic hypogonadism (Bailleul-Forestier et al. 2010. PubMed ID: 20536592; Table S3, Miraoui et al. 2013. PubMed ID: 23643382; Table S2, Cassatella et al. 2018. PubMed ID: 29419413; Acierno et al. 2020. PubMed ID: 32724172). This variant has not been reported in a large population database (gnomAD), indicating this variant is rare. This variant is interpreted as pathogenic.

Women's Health and Genetics/Laboratory Corporation of America, LabCorp
Classification: Pathogenic for FGFR1-Related Disorders. Last evaluated: 2023-10-31. Review status: criteria provided, single submitter. Criteria: LabCorp Variant Classification Summary - May 2015. Collection method: clinical testing. Allele origin: germline.
Comment: Variant summary: FGFR1 c.1042G>A (p.Gly348Arg) results in a non-conservative amino acid change located in the Immunoglobulin subtype 2 (IPR003598) of the encoded protein sequence. Four of five in-silico tools predict a damaging effect of the variant on protein function. The variant was absent in 249898 control chromosomes. c.1042G>A has been reported in the literature in individuals affected with autosomal dominant congenital hypogonadotropic hypogonadism and Kallmann syndrome, including at-least two de novo occurences (example, Acierno_2020, Zhang_2021, BailleulForestier_2010). These data indicate that the variant is very likely associated with FGFR1-Related Disorders. At least one publication reports experimental evidence evaluating an impact on protein function. The most pronounced variant effect results in diminished response of fibroblast growth factor 8 stimulation (Acierno_2020). The following publications have been ascertained in the context of this evaluation (PMID: 32724172, 34348883, 20536592). Two submitters have cited clinical-significance assessments for this variant to ClinVar after 2014. Both submitters classified the variant as pathogenic. Based on the evidence outlined above, the variant was classified as pathogenic.

3billion
Classification: Pathogenic for Hypogonadotropic hypogonadism 2 with or without anosmia. Last evaluated: 2023-06-12. Review status: criteria provided, single submitter. Criteria: ACMG Guidelines, 2015. Collection method: clinical testing. Allele origin: germline. Affected: yes.
Comment: The variant is not observed in the gnomAD v2.1.1 dataset. Predicted Consequence/Location: Missense variant Functional studies provide strong evidence of the variant having a damaging effect on the gene or gene product (PMID: 32724172). In silico tool predictions suggest damaging effect of the variant on gene or gene product (REVEL: 0.95; 3Cnet: 0.54). Same nucleotide change resulting in same amino acid change has been previously reported to be associated with FGFR1 related disorder (ClinVar ID: VCV000050849 /PMID: 20536592). The variant has been observed in multiple (>3) similarly affected unrelated individuals (PMID: 23643382, 25497574, 32724172). A different missense change at the same codon (p.Gly348Glu) has been reported to be associated with FGFR1 related disorder (ClinVar ID: VCV000974813 /PMID: 26199944). Therefore, this variant is classified as Pathogenic according to the recommendation of ACMG/AMP guideline.

Reproductive Endocrine Unit, Massachusetts General Hospital
Classification: Pathogenic for Hypogonadotropic hypogonadism 2 with or without anosmia. Last evaluated: 2023-05-04. Review status: criteria provided, single submitter. Criteria: ACMG Guidelines, 2015. Collection method: research. Allele origin: de novo, unknown. Affected: yes. Observed: 3 variant alleles.
Comment: The variant has been classified as P2 based on the variant meeting the following ACMG Criteria: PS2,PM2,PP3,PP1,PP2.

Blueprint Genetics
Classification: Pathogenic for FGFR1-related disorders. Last evaluated: 2018-11-16. Review status: criteria provided, single submitter. Criteria: ACMG Guidelines, 2015. Collection method: clinical testing. Allele origin: germline. Affected: yes. Observed: 2 variant alleles.

OMIM
Classification: risk factor for HYPOGONADOTROPIC HYPOGONADISM 2 WITH ANOSMIA, SUSCEPTIBILITY TO. Last evaluated: 2015-08-01. Review status: no assertion criteria provided. Collection method: literature only. Allele origin: germline. Not counted in ClinVar's aggregate classification.

Genomics England Pilot Project, Genomics England
Classification: Pathogenic for Hypogonadotropic hypogonadism 2 with or without anosmia. Review status: no assertion criteria provided. Criteria: ACGS Guidelines, 2016. Collection method: clinical testing. Allele origin: germline. Affected: yes. Not counted in ClinVar's aggregate classification.

Literature cited by the submitters: PubMed 32724172 (cited by Women's Health and Genetics/Laboratory Corporation of America, LabCorp and 3billion); PubMed 20536592 (cited by Women's Health and Genetics/Laboratory Corporation of America, LabCorp and 3billion); PubMed 34348883 (cited by Women's Health and Genetics/Laboratory Corporation of America, LabCorp); PubMed 25497574 (cited by 3billion); PubMed 23643382 (cited by 3billion and OMIM); PubMed 26199944 (cited by 3billion); PubMed 25394172 (cited by OMIM).

NM_023110.3(FGFR1):c.1042G>A (p.Gly348Arg)

Gene: FGFR1 (fibroblast growth factor receptor 1; minus strand). Cytogenetic location: 8p11.23.
Variant type: single nucleotide variant.
Coding change: c.1042G>A on transcript NM_023110.3 (MANE Select); coding-DNA position 1042, G replaced by A.
Protein change: p.Gly348Arg; replaces glycine 348 with arginine.
Molecular consequence: missense variant.
Genome position (GRCh38, 1-based): chr8:38,421,836, C>T on the plus strand (G>A on the coding strand, the complement: FGFR1 is on the minus strand). VCF-style: chr8-38421836-C-T. GRCh37 (hg19) VCF-style: chr8-38279354-C-T.
Other names: c.1042G>A, p.Gly348Arg (NM_001174063.2); c.1018G>A, p.Gly340Arg (NM_001174064.2); c.1036G>A, p.Gly346Arg (NM_001174065.2, NM_001354367.2, NM_001354369.2 and 1 more transcripts); c.775G>A, p.Gly259Arg (NM_001174066.2, NM_023105.3); c.1135G>A, p.Gly379Arg (NM_001174067.2); c.769G>A, p.Gly257Arg (NM_001354368.2, NM_001354370.2, NM_023106.3); short protein forms G348R, G257R, G259R, G340R, G346R, G379R.
Identifiers: ClinVar variation 50849 (VCV000050849.12), dbSNP rs886037634, ClinGen allele CA10575577.